The following is an entry in ClinVar:

NM_000455.5(STK11):c.609G>C (p.Pro203=)

Gene: STK11 (serine/threonine kinase 11; plus strand). Cytogenetic location: 19p13.3.
Variant type: single nucleotide variant.
Coding change: c.609G>C on transcript NM_000455.5 (MANE Select); coding-DNA position 609, G replaced by C.
Protein change: p.Pro203=; no amino-acid change (proline 203 retained).
Molecular consequence: synonymous variant.
Genome position (GRCh38, 1-based): chr19:1,220,592, G>C. VCF-style: chr19-1220592-G-C. GRCh37 (hg19) VCF-style: chr19-1220591-G-C.
Identifiers: ClinVar variation 186383 (VCV000186383.22), dbSNP rs786201228, ClinGen allele CA023138.

ClinVar aggregate classification (germline): Benign/Likely benign. Review status: criteria provided, multiple submitters, no conflicts (2 of 4 stars). 7 submissions from 7 submitters: Benign (1); Likely benign (5). 1 of the submissions does not count toward it. Last evaluated 2025-09-09.

Conditions:
Hereditary cancer-predisposing syndrome. Also called: Hereditary Cancer Syndrome; Neoplastic Syndromes, Hereditary; Tumor predisposition; Hereditary neoplastic syndrome. Identifiers: Orphanet 140162, MedGen C0027672, MeSH D009386, MONDO:0015356.
STK11-related disorder. Also called: STK11-related condition.
Peutz-Jeghers syndrome (PJS). Also called: POLYPOSIS, HAMARTOMATOUS INTESTINAL; POLYPS-AND-SPOTS SYNDROME; Peutz-Jeghers polyposis; Periorificial lentiginosis syndrome. Identifiers: Orphanet 2869, MedGen C0031269, MeSH D010580, MONDO:0008280, OMIM 175200.

gnomAD v4.1: 37 of 1,587,536 alleles (0.0023%); highest among the groups gnomAD compares: Non-Finnish European, 0.0028%; no homozygotes.

Submissions (7):

Labcorp Genetics (formerly Invitae), Labcorp
Classification: Likely benign for Peutz-Jeghers syndrome. Last evaluated: 2025-09-09. Review status: criteria provided, single submitter. Criteria: Invitae Variant Classification Sherloc (09022015). Collection method: clinical testing. Allele origin: germline.

Myriad Genetics, Inc.
Classification: Benign for Peutz-Jeghers syndrome. Last evaluated: 2025-03-26. Review status: criteria provided, single submitter. Criteria: Myriad Autosomal Dominant, Autosomal Recessive and X-Linked Classification Criteria (2023). Collection method: clinical testing. Allele origin: unknown.
Comment: This variant is considered benign. This variant is a silent/synonymous amino acid change and it is not expected to impact splicing.

All of Us Research Program, National Institutes of Health
Classification: Likely benign for Peutz-Jeghers syndrome. Last evaluated: 2023-06-26. Review status: criteria provided, single submitter. Criteria: ACMG Guidelines, 2015. Collection method: clinical testing. Allele origin: germline. Inheritance: Autosomal dominant inheritance. Observed: 4 variant alleles, 4 heterozygotes.
Comment: This study involves interpretation of variants in research participants for the purpose of population health screening. Participant phenotype was not available at the time of variant classification. Additional details can be found in publication PMID: 35346344, PMCID: PMC8962531

Women's Health and Genetics/Laboratory Corporation of America, LabCorp
Classification: Likely benign. Last evaluated: 2022-04-01. Review status: criteria provided, single submitter. Criteria: LabCorp Variant Classification Summary - May 2015. Collection method: clinical testing. Allele origin: germline.

Color Diagnostics, LLC DBA Color Health
Classification: Likely benign for Hereditary cancer-predisposing syndrome. Last evaluated: 2019-01-07. Review status: criteria provided, single submitter. Criteria: ACMG Guidelines, 2015. Collection method: clinical testing. Allele origin: germline.

Ambry Genetics
Classification: Likely benign for Hereditary cancer-predisposing syndrome. Last evaluated: 2014-10-01. Review status: criteria provided, single submitter. Criteria: Ambry Variant Classification Scheme 2023. Collection method: clinical testing. Allele origin: germline.

PreventionGenetics, part of Exact Sciences
Classification: Likely benign for STK11-related condition. Last evaluated: 2024-03-05. Review status: no assertion criteria provided. Collection method: clinical testing. Allele origin: germline. Not counted in ClinVar's aggregate classification.
Comment: This variant is classified as likely benign based on ACMG/AMP sequence variant interpretation guidelines (Richards et al. 2015 PMID: 25741868, with internal and published modifications).